The following is an entry in ClinVar:

NM_020791.4(TAOK1):c.2933C>T (p.Thr978Met)

Gene: TAOK1 (TAO kinase 1; plus strand). Cytogenetic location: 17q11.2.
Variant type: single nucleotide variant.
Coding change: c.2933C>T on transcript NM_020791.4 (MANE Select); coding-DNA position 2933, C replaced by T.
Protein change: p.Thr978Met; replaces threonine 978 with methionine.
Molecular consequence: missense variant.
Genome position (GRCh38, 1-based): chr17:29,542,949, C>T. VCF-style: chr17-29542949-C-T. GRCh37 (hg19) VCF-style: chr17-27869967-C-T.
Other names: c.2489C>T, p.Thr830Met (NM_025142.1); short protein forms T830M, T978M.
Identifiers: ClinVar variation 4883378 (VCV004883378.3).

ClinVar aggregate classification (germline): Uncertain significance. Review status: criteria provided, multiple submitters, no conflicts (2 of 4 stars). 2 submissions from 2 submitters: Uncertain significance (2). Last evaluated 2026-01-27.

Conditions:
Syndromic intellectual disability. Also called: Intellectual disability syndrome. Identifiers: Orphanet 183763, MedGen C5680525, MONDO:0000508.

gnomAD v4.1: 9 of 1,613,250 alleles (0.00056%); highest among the groups gnomAD compares: South Asian, 0.0022%; no homozygotes.

Submissions (2):

Dasa
Classification: Uncertain significance for Syndromic intellectual disability. Last evaluated: 2026-01-27. Review status: criteria provided, single submitter. Criteria: DASA Assertion Criteria. Collection method: clinical testing. Allele origin: germline.
Comment: NM_020791.4(TAOK1):c.2933C>T (p.Thr978Met) is a missense variant that results in the substitution of threonine with methionine. This variant is rare in population databases. The currently available literature and clinical evidence are not sufficient to establish a definitive association between this variant and the reported condition. Therefore, this variant is classified as a variant of uncertain significance.

Blueprint Genetics
Classification: Uncertain significance. Last evaluated: 2023-11-06. Review status: criteria provided, single submitter. Criteria: ACMG Guidelines, 2015. Collection method: clinical testing. Allele origin: germline.